The following continues an entry in ClinVar:

NM_000492.4(CFTR):c.2052del (p.Lys684fs)

Gene: CFTR. ClinVar aggregate classification (germline): Pathogenic. Pathogenic (1).

Submissions 15 to 32 of 32:

Laboratory of Medical Genetics, National & Kapodistrian University of Athens
Classification: Pathogenic for Cystic fibrosis. Last evaluated: 2024-02-01. Review status: criteria provided, single submitter. Criteria: ACMG Guidelines, 2015. Collection method: curation. Allele origin: germline. Affected: no. Not counted in ClinVar's aggregate classification.

Fulgent Genetics
Classification: Pathogenic for Hereditary pancreatitis; Bronchiectasis with or without elevated sweat chloride 1; Cystic fibrosis; Congenital bilateral aplasia of vas deferens from CFTR mutation. Last evaluated: 2024-01-10. Review status: criteria provided, single submitter. Criteria: ACMG Guidelines, 2015. Collection method: clinical testing. Allele origin: germline. Not counted in ClinVar's aggregate classification.

MGZ Medical Genetics Center
Classification: Pathogenic for Congenital bilateral aplasia of vas deferens from CFTR mutation. Last evaluated: 2022-05-09. Review status: criteria provided, single submitter. Criteria: ACMG Guidelines, 2015. Collection method: clinical testing. Allele origin: germline. Affected: yes. Observed: 2 variant alleles. Not counted in ClinVar's aggregate classification.
Comment: ACMG criteria applied: PVS1, PM3_VSTR, PS4, PM2_SUP, PP4

Mayo Clinic Laboratories, Mayo Clinic
Classification: Pathogenic. Last evaluated: 2021-11-03. Review status: criteria provided, single submitter. Criteria: ACMG Guidelines, 2015. Collection method: clinical testing. Allele origin: germline. Not counted in ClinVar's aggregate classification.

Johns Hopkins Genomics, Johns Hopkins University
Classification: Pathogenic for Cystic fibrosis. Last evaluated: 2020-02-17. Review status: criteria provided, single submitter. Criteria: ACMG Guidelines, 2015. Collection method: clinical testing. Allele origin: germline. Not counted in ClinVar's aggregate classification.
Comment: Disease-causing CFTR variant. See CFTR2 for phenotype information.

Myriad Genetics, Inc.
Classification: Pathogenic for Cystic fibrosis. Last evaluated: 2019-11-20. Review status: criteria provided, single submitter. Criteria: Myriad Women's Health Autosomal Recessive and X-Linked Classification Criteria (2019). Collection method: clinical testing. Allele origin: unknown. Not counted in ClinVar's aggregate classification.
Comment: NM_000492.3(CFTR):c.2052delA(K684Nfs*38, aka 2184delA) is classified as pathogenic in the context of cystic fibrosis and is associated with the classic form of this disease. Sources cited for classification include the following: PMID 23974870. Classification of NM_000492.3(CFTR):c.2052delA(K684Nfs*38, aka 2184delA) is based on the following criteria: The variant causes a premature termination codon that is expected to be targeted by nonsense-mediated mRNA decay and is reported in individuals with the relevant phenotype. Please note: this variant was assessed in the context of healthy population screening.

Mendelics
Classification: Pathogenic for Cystic fibrosis. Last evaluated: 2019-05-28. Review status: criteria provided, single submitter. Criteria: Mendelics Assertion Criteria 2017. Collection method: clinical testing. Allele origin: unknown. Not counted in ClinVar's aggregate classification.

ARUP Laboratories, Molecular Genetics and Genomics, ARUP Laboratories
Classification: Pathogenic. Last evaluated: 2018-08-09. Review status: criteria provided, single submitter. Criteria: ARUP Molecular Germline Variant Investigation Process. Collection method: clinical testing. Allele origin: germline. Not counted in ClinVar's aggregate classification.
Comment: The CFTR c.2052delA; p.Lys684fs variant (rs121908746), also known as 2184delA, is reported in the literature in a homozygous or compound heterozygous state in multiple individuals affected with the pancreatic insufficient form of cystic fibrosis (Chevalier-Porst 1994, Dork 1994, Jung 2011, Lissens 1993, McKone 2003, Ooi 2012, Sosnay 2013, Watson 2004). This variant is reported as pathogenic by multiple laboratories in ClinVar (Variation ID: 38493), and is found in the non-Finnish European population with an overall allele frequency of 0.01% (15/124874 alleles) in the Genome Aggregation Database. This variant causes a frameshift by deleting a single nucleotide, so it is predicted to result in a truncated protein or mRNA subject to nonsense-mediated decay. Based on available information, this variant is considered to be severely pathogenic. References: Chevalier-Porst F et al. Mutation analysis in 600 French cystic fibrosis patients. J Med Genet. 1994 31(7):541-4. Dork T et al. Detection of more than 50 different CFTR mutations in a large group of German cystic fibrosis patients. Hum Genet. 1994 Nov;94(5):533-42. Jung H et al. Heterogeneous spectrum of CFTR gene mutations in Korean patients with cystic fibrosis. Korean J Lab Med. 2011 Jul;31(3):219-24. Lissens W et al. Mild pulmonary, but severe hepatic disease in a cystic fibrosis patient homozygous for a frameshift mutation in the regulatory domain of the CFTR. J Med Genet. 1993 May;30(5):446. McKone EF et al. Effect of genotype on phenotype and mortality in cystic fibrosis: a retrospective cohort study. Lancet. 2003 May 17;361(9370):1671-6. Ooi C. et al. Cystic fibrosis transmembrane conductance regulator (CFTR) gene mutations in pancreatitis. J Cyst Fibros. 2012 11(5):355-62. Sosnay PR et al. Defining the disease liability of variants in the cystic fibrosis transmembrane conductance regulator gene. Nat Genet. 2013 45(10):1160-7. Watson MS et al. Cystic fibrosis population carrier screening: 2004 revision of American College of Medical Genetics mutation panel. Genet Med. 2004 Sep-Oct;6(5):387-91.

CFTR-France
Classification: Pathogenic for cystic fibrosis. Last evaluated: 2018-01-29. Review status: criteria provided, single submitter. Criteria: Claustres M et al. (Hum Mutat 2017). Collection method: curation. Allele origin: germline. Affected: yes. Not counted in ClinVar's aggregate classification.

GeneDx
Classification: Pathogenic. Last evaluated: 2017-07-31. Review status: criteria provided, single submitter. Criteria: GeneDx Variant Classification (06012015). Collection method: clinical testing. Allele origin: germline. Affected: yes. Not counted in ClinVar's aggregate classification.
Comment: The c.2052delA pathogenic variant in the CFTR gene has been reported previously, sometimes using alternate nomenclature (2184delA), either in the homozygous state or in trans with another CFTR variant in multiple individuals with cystic fibrosis (Lissens et al., 1993; Dork et al., 1994; Jung et al., 2011). The c.2052delA variant causes a frameshift starting with codon Lysine 684, changes this amino acid to an Asparagine residue, and creates a premature Stop codon at position 38 of the new reading frame, denoted p.Lys684AsnfsX38. This variant is predicted to cause loss of normal protein function either through protein truncation or nonsense-mediated mRNA decay. The c.2052delA variant is not observed at a significant frequency in large population cohorts (Lek et al., 2016). We interpret c.2052delA as a pathogenic variant.

Women's Health and Genetics/Laboratory Corporation of America, LabCorp
Classification: Pathogenic for Cystic fibrosis. Last evaluated: 2016-01-25. Review status: criteria provided, single submitter. Criteria: LabCorp Variant Classification Summary - May 2015. Collection method: clinical testing. Allele origin: germline. Not counted in ClinVar's aggregate classification.
Comment: Variant summary: This c.2052delA variant causes a frameshift, which alters the proteins amino acid sequence beginning at position 684 and leads to a premature termination codon 38 amino acids downstream. It is predicted to cause a truncated or absent CFTR protein. Loss-of-function due to mutations in this gene is an established disease mechanism in CF or CFTR-RD. This variant was found in 7/119584 chromosomes from broad and large populations of ExAC at a frequency of 0.0000585, which does not significantly exceed maximal expected frequency of a pathogenic allele (0.0129603) in this gene. This variant is widely reported as a common CF-causing variant in literature and databases. The variant has been found in patients with classic CF. Multiple clinical labs/reputable databases call this variant as pathogenic. Taken together, this variant has been classified as a Pathogenic.

Baylor Genetics
Classification: Pathogenic for Congenital bilateral aplasia of vas deferens from CFTR mutation; Cystic fibrosis. Review status: criteria provided, single submitter. Criteria: ACMG Guidelines, 2015. Collection method: clinical testing. Allele origin: germline. Not counted in ClinVar's aggregate classification.

Clinical Genetics Service, Universitary Hospital 12 de Octubre
Classification: Pathogenic for Cystic fibrosis. Review status: criteria provided, single submitter. Criteria: ACMG Guidelines, 2015. Collection method: clinical testing. Allele origin: germline. Affected: yes. Not counted in ClinVar's aggregate classification.

Kariminejad - Najmabadi Pathology & Genetics Center
Classification: Likely pathogenic for Cystic fibrosis. Review status: criteria provided, single submitter. Criteria: ACMG Guidelines, 2015. Collection method: clinical testing. Allele origin: germline. Affected: no. Not counted in ClinVar's aggregate classification.

PreventionGenetics, part of Exact Sciences
Classification: Pathogenic for CFTR-related condition. Last evaluated: 2023-12-19. Review status: no assertion criteria provided. Collection method: clinical testing. Allele origin: germline. Not counted in ClinVar's aggregate classification.
Comment: The CFTR c.2052delA variant is predicted to result in a frameshift and premature protein termination (p.Lys684Asnfs*38). This variant, also referred to as c.2183AA>G, has been reported to be causative for cystic fibrosis (Sosnay et al. 2013. PubMed ID: 23974870). This variant is reported in 0.011% of alleles in individuals of European (Non-Finnish) descent in gnomAD. Frameshift variants in CFTR are expected to be pathogenic. This variant is interpreted as pathogenic.

Clinical Genetics DNA and cytogenetics Diagnostics Lab, Erasmus MC, Erasmus Medical Center
Classification: Pathogenic. Review status: no assertion criteria provided. Collection method: clinical testing. Allele origin: germline. Affected: yes. Study: VKGL Data-share Consensus. Not counted in ClinVar's aggregate classification.

Diagnostic Laboratory, Department of Genetics, University Medical Center Groningen
Classification: Pathogenic. Review status: no assertion criteria provided. Collection method: clinical testing. Allele origin: germline. Affected: yes. Study: VKGL Data-share Consensus. Not counted in ClinVar's aggregate classification.

GeneReviews
No classification provided. Condition: Cystic fibrosis. Review status: no classification provided. Collection method: literature only. Allele origin: unknown. Not counted in ClinVar's aggregate classification.

Literature cited by the submitters: PMC 3110945 (cited by American College of Medical Genetics and Genomics  (ACMG)); PubMed 21779199 (cited by Dasa and Ambry Genetics); PubMed 26900683 (cited by Dasa); PubMed 23775370 (cited by Dasa); PubMed 26437683 (cited by Dasa); PubMed 25674778 (cited by Dasa); PubMed 26087176 (cited by Dasa and Natera, Inc.); PubMed 31245908 (cited by Dasa); PubMed 30996306 (cited by Dasa); PubMed 26894479 (cited by Dasa); PubMed 24586523 (cited by Dasa); PubMed 1695717 (cited by Labcorp Genetics (formerly Invitae), Labcorp); PubMed 7691345 (cited by Labcorp Genetics (formerly Invitae), Labcorp); PubMed 9725922 (cited by Labcorp Genetics (formerly Invitae), Labcorp); PubMed 7525963 (cited by Labcorp Genetics (formerly Invitae), Labcorp and 3billion); PubMed 18456578 (cited by Labcorp Genetics (formerly Invitae), Labcorp); PubMed 22658665 (cited by Labcorp Genetics (formerly Invitae), Labcorp); PubMed 23974870 (cited by 4 submitters); PubMed 7686577 (cited by 3 submitters); PubMed 12007216 (cited by Ambry Genetics); PubMed 29261177 (cited by Ambry Genetics); PubMed 12767731 (cited by Women's Health and Genetics/Laboratory Corporation of America, LabCorp); PubMed 8707306 (cited by Women's Health and Genetics/Laboratory Corporation of America, LabCorp); PubMed 15371902 (cited by Women's Health and Genetics/Laboratory Corporation of America, LabCorp and GeneReviews); PubMed 20301428 (cited by GeneReviews).